The following is an entry in ClinVar:

NM_001134831.2(AHI1):c.1252C>T (p.Pro418Ser)

Gene: AHI1 (Abelson helper integration site 1; minus strand). Cytogenetic location: 6q23.3.
Variant type: single nucleotide variant.
Coding change: c.1252C>T on transcript NM_001134831.2 (MANE Select); coding-DNA position 1252, C replaced by T.
Protein change: p.Pro418Ser; replaces proline 418 with serine.
Molecular consequence: missense variant.
Genome position (GRCh38, 1-based): chr6:135,455,826, G>A on the plus strand (C>T on the coding strand, the complement: AHI1 is on the minus strand). VCF-style: chr6-135455826-G-A. GRCh37 (hg19) VCF-style: chr6-135776964-G-A.
Other names: c.1252C>T, p.Pro418Ser (NM_001134830.2, NM_001134832.2, NM_001350503.2 and 2 more transcripts); short protein forms P418S.
Identifiers: ClinVar variation 3631019 (VCV003631019.2).

ClinVar aggregate classification (germline): Uncertain significance (1 of 4 stars; one submission).

Conditions:
Joubert syndrome. Also called: CEREBELLOPARENCHYMAL DISORDER IV; JOUBERT-BOLTSHAUSER SYNDROME; Familial aplasia of the vermis. Identifiers: Orphanet 475, MedGen C5979921, MONDO:0018772.

Submission:

Labcorp Genetics (formerly Invitae), Labcorp
Classification: Uncertain significance for Joubert syndrome. Last evaluated: 2024-11-20. Review status: criteria provided, single submitter. Criteria: Invitae Variant Classification Sherloc (09022015). Collection method: clinical testing. Allele origin: germline.
Comment: This sequence change replaces proline, which is neutral and non-polar, with serine, which is neutral and polar, at codon 418 of the AHI1 protein (p.Pro418Ser). This variant is not present in population databases (gnomAD no frequency). This variant has not been reported in the literature in individuals affected with AHI1-related conditions. Invitae Evidence Modeling of protein sequence and biophysical properties (such as structural, functional, and spatial information, amino acid conservation, physicochemical variation, residue mobility, and thermodynamic stability) indicates that this missense variant is expected to disrupt AHI1 protein function with a positive predictive value of 95%. In summary, the available evidence is currently insufficient to determine the role of this variant in disease. Therefore, it has been classified as a Variant of Uncertain Significance.